The following is an entry in ClinVar:

NM_000123.4(ERCC5):c.1039G>T (p.Ala347Ser)

Genes: BIVM-ERCC5 (BIVM-ERCC5 readthrough; plus strand), ERCC5 (ERCC excision repair 5, endonuclease; plus strand). Cytogenetic location: 13q33.1.
Variant type: single nucleotide variant.
Coding change: c.1039G>T on transcript NM_000123.4 (MANE Select); coding-DNA position 1039, G replaced by T.
Protein change: p.Ala347Ser; replaces alanine 347 with serine.
Molecular consequence: missense variant.
Genome position (GRCh38, 1-based): chr13:102,862,188, G>T. VCF-style: chr13-102862188-G-T. GRCh37 (hg19) VCF-style: chr13-103514538-G-T.
Other names: c.2401G>T, p.Ala801Ser (NM_001204425.2); short protein forms A347S, A801S.
Identifiers: ClinVar variation 1305806 (VCV001305806.6), dbSNP rs759962943, ClinGen allele CA7041335.

ClinVar aggregate classification (germline): Uncertain significance. Review status: criteria provided, multiple submitters, no conflicts (2 of 4 stars). 3 submissions from 3 submitters: Uncertain significance (3). Last evaluated 2023-06-14.

Conditions:
Xeroderma pigmentosum, group G (XPG). Also called: ERCC5-Related Xeroderma Pigmentosum; Xeroderma pigmentosum type 7; XERODERMA PIGMENTOSUM VII; XP, GROUP G. Identifiers: MedGen C0268141, MONDO:0010216, OMIM 278780.
Cerebrooculofacioskeletal syndrome 3 (COFS3). Identifiers: MedGen C1851443, MONDO:0014696, OMIM 616570.

Allele frequency attached by ClinVar (database versions not stated): gnomAD 0.00002.
gnomAD v4.1: 47 of 1,614,056 alleles (0.0029%); highest among the groups gnomAD compares: Non-Finnish European, 0.0039%; no homozygotes.

Submissions (3):

Labcorp Genetics (formerly Invitae), Labcorp
Classification: Uncertain significance. Last evaluated: 2023-06-14. Review status: criteria provided, single submitter. Criteria: Invitae Variant Classification Sherloc (09022015). Collection method: clinical testing. Allele origin: germline.
Comment: In summary, the available evidence is currently insufficient to determine the role of this variant in disease. Therefore, it has been classified as a Variant of Uncertain Significance. An algorithm developed to predict the effect of missense changes on protein structure and function (PolyPhen-2) suggests that this variant is likely to be disruptive. ClinVar contains an entry for this variant (Variation ID: 1305806). This variant has not been reported in the literature in individuals affected with ERCC5-related conditions. This variant is present in population databases (rs759962943, gnomAD 0.003%). This sequence change replaces alanine, which is neutral and non-polar, with serine, which is neutral and polar, at codon 347 of the ERCC5 protein (p.Ala347Ser).

Fulgent Genetics
Classification: Uncertain significance for Xeroderma pigmentosum, group G; Cerebrooculofacioskeletal syndrome 3. Last evaluated: 2021-08-24. Review status: criteria provided, single submitter. Criteria: ACMG Guidelines, 2015. Collection method: clinical testing. Allele origin: unknown.

GeneDx
Classification: Uncertain significance. Last evaluated: 2019-05-15. Review status: criteria provided, single submitter. Criteria: GeneDx Variant Classification Process June 2021. Collection method: clinical testing. Allele origin: germline. Affected: yes.
Comment: Not observed at a significant frequency in large population cohorts (Lek et al., 2016); Has not been previously published as pathogenic or benign to our knowledge; This variant is associated with the following publications: (PMID: 29641532)